The following is an entry in ClinVar:

ClinVar aggregate classification (germline): Uncertain significance (1 of 4 stars; one submission).

Submission:

Labcorp Genetics (formerly Invitae), Labcorp
Classification: Uncertain significance. Last evaluated: 2023-07-31. Review status: criteria provided, single submitter. Criteria: Invitae Variant Classification Sherloc (09022015). Collection method: clinical testing. Allele origin: germline.
Comment: This sequence change replaces valine, which is neutral and non-polar, with alanine, which is neutral and non-polar, at codon 1301 of the POLE protein (p.Val1301Ala). This variant is not present in population databases (gnomAD no frequency). This variant has not been reported in the literature in individuals affected with POLE-related conditions. Algorithms developed to predict the effect of missense changes on protein structure and function output the following: SIFT: "Not Available"; PolyPhen-2: "Benign"; Align-GVGD: "Not Available". The alanine amino acid residue is found in multiple mammalian species, which suggests that this missense change does not adversely affect protein function. In summary, the available evidence is currently insufficient to determine the role of this variant in disease. Therefore, it has been classified as a Variant of Uncertain Significance.

NM_006231.4(POLE):c.3902T>C (p.Val1301Ala)

Gene: POLE (DNA polymerase epsilon, catalytic subunit; minus strand). Cytogenetic location: 12q24.33.
Variant type: single nucleotide variant.
Coding change: c.3902T>C on transcript NM_006231.4 (MANE Select); coding-DNA position 3902, T replaced by C.
Protein change: p.Val1301Ala; replaces valine 1301 with alanine.
Molecular consequence: missense variant.
Genome position (GRCh38, 1-based): chr12:132,649,409, A>G on the plus strand (T>C on the coding strand, the complement: POLE is on the minus strand). VCF-style: chr12-132649409-A-G. GRCh37 (hg19) VCF-style: chr12-133225995-A-G.
Other names: short protein forms V1301A.
Identifiers: ClinVar variation 2784793 (VCV002784793.3), dbSNP rs2541948668, ClinGen allele CA387385190.